The following is an entry in ClinVar:

ClinVar aggregate classification (germline): Pathogenic (1 of 4 stars; one submission).

Conditions:
Rubinstein-Taybi syndrome due to EP300 haploinsufficiency. Also called: EP300-Related Rubinstein-Taybi Syndrome; RUBINSTEIN-TAYBI SYNDROME 2. Identifiers: Orphanet 353284, Orphanet 783, MedGen C3150941, MONDO:0013364, OMIM 613684.

Submission:

Labcorp Genetics (formerly Invitae), Labcorp
Classification: Pathogenic for Rubinstein-Taybi syndrome due to EP300 haploinsufficiency. Last evaluated: 2025-03-07. Review status: criteria provided, single submitter. Criteria: Invitae Variant Classification Sherloc (09022015). Collection method: clinical testing. Allele origin: germline.
Comment: This sequence change creates a premature translational stop signal (p.Leu36Ilefs*2) in the EP300 gene. It is expected to result in an absent or disrupted protein product. Loss-of-function variants in EP300 are known to be pathogenic (PMID: 15706485, 24476420). This variant is not present in population databases (gnomAD no frequency). This variant has not been reported in the literature in individuals affected with EP300-related conditions. For these reasons, this variant has been classified as Pathogenic.

Literature cited by the submitters: PubMed 15706485; PubMed 24476420.

NM_001429.4(EP300):c.106_107del (p.Leu36fs)

Gene: EP300 (EP300 lysine acetyltransferase; plus strand). Cytogenetic location: 22q13.2.
Variant type: Microsatellite.
Coding change: c.106_107del on transcript NM_001429.4 (MANE Select); coding-DNA positions 106 to 107, 2 bases deleted (CT; older notation c.106_107delCT).
Protein change: p.Leu36fs; shifts the reading frame from leucine 36.
Molecular consequence: frameshift variant.
Genome position (GRCh38, 1-based): chr22:41,117,198-41,117,199, CT deleted; deleting any 2 consecutive bases within chr22:41,117,194-41,117,199 gives the same sequence; the c. name uses the placement nearest the transcript's 3' end. VCF-style (leftmost placement, unchanged base first): chr22-41117193-GCT-G. GRCh37 (hg19) VCF-style: chr22-41513197-GCT-G.
Other names: c.106_107del, p.Leu36fs (NM_001362843.2); short protein forms L36fs.
Identifiers: ClinVar variation 4714656 (VCV004714656.1).